The following is an entry in ClinVar:

ClinVar aggregate classification (germline): Likely benign. Review status: criteria provided, multiple submitters, no conflicts (2 of 4 stars). 5 submissions from 5 submitters: Likely benign (4). 1 of the submissions does not count toward it. Last evaluated 2024-10-23.

Conditions:
SZT2-related disorder. Also called: SZT2-related condition.
Developmental and epileptic encephalopathy, 18 (DEE18). Also called: Early infantile epileptic encephalopathy 18. Identifiers: Orphanet 369894, MedGen C3809624, MONDO:0014201, OMIM 615476.

Allele frequency attached by ClinVar (database versions not stated): gnomAD 0.00003 and 0.00014; TOPMed 0.00004; gnomAD exomes 0.00016 and 0.00031; ExAC 0.00033; 1000 Genomes Project 0.00040; 1000 Genomes Project 30x 0.00078.
gnomAD v4.1: 256 of 1,598,408 alleles (0.016%); highest among the groups gnomAD compares: South Asian, 0.26%; no homozygotes.

Submissions (5):

Blueprint Genetics
Classification: Likely benign. Last evaluated: 2024-10-23. Review status: criteria provided, single submitter. Criteria: ACMG Guidelines, 2015. Collection method: clinical testing. Allele origin: germline.

Labcorp Genetics (formerly Invitae), Labcorp
Classification: Likely benign. Last evaluated: 2024-08-11. Review status: criteria provided, single submitter. Criteria: Invitae Variant Classification Sherloc (09022015). Collection method: clinical testing. Allele origin: germline.

Genome-Nilou Lab
Classification: Likely benign for Developmental and epileptic encephalopathy, 18. Last evaluated: 2023-04-11. Review status: criteria provided, single submitter. Criteria: ACMG Guidelines, 2015. Collection method: clinical testing. Allele origin: germline. Affected: no.

GeneDx
Classification: Likely benign. Last evaluated: 2021-03-03. Review status: criteria provided, single submitter. Criteria: GeneDx Variant Classification Process June 2021. Collection method: clinical testing. Allele origin: germline. Affected: yes.

PreventionGenetics, part of Exact Sciences
Classification: Likely benign for SZT2-related condition. Last evaluated: 2019-02-24. Review status: no assertion criteria provided. Collection method: clinical testing. Allele origin: germline. Not counted in ClinVar's aggregate classification.
Comment: This variant is classified as likely benign based on ACMG/AMP sequence variant interpretation guidelines (Richards et al. 2015 PMID: 25741868, with internal and published modifications).

NM_001365999.1(SZT2):c.1107A>G (p.Leu369=)

Gene: SZT2 (SZT2 subunit of KICSTOR complex; plus strand). Cytogenetic location: 1p34.2.
Variant type: single nucleotide variant.
Coding change: c.1107A>G on transcript NM_001365999.1 (MANE Select); coding-DNA position 1107, A replaced by G.
Protein change: p.Leu369=; no amino-acid change (leucine 369 retained).
Molecular consequence: synonymous variant.
Genome position (GRCh38, 1-based): chr1:43,420,169, A>G. VCF-style: chr1-43420169-A-G. GRCh37 (hg19) VCF-style: chr1-43885840-A-G.
Other names: c.1107A>G, p.Leu369= (NM_015284.4).
Identifiers: ClinVar variation 416976 (VCV000416976.17), dbSNP rs533632273, ClinGen allele CA808340.
Genomic context (GRCh38, chr1:43,420,169, plus strand): 5'-GCAGATAACCAGTTTCTCCTTCCCCATCTCCACTGGTCTTCCAGGCTCTCAGCACCGCCT[A>G]TTTAATGAGCACCTGGTCTCTGCAAGCAGCAACCCTGCCCTGGCCTTGCGCCGGAAGAAG-3'
Protein context (NP_001352928.1, residues 359-379): PEYYCGSQHR[Leu369=]FNEHLVSASS